The following is an entry in ClinVar:

NM_015559.3(SETBP1):c.1900C>T (p.Gln634Ter)

Gene: SETBP1 (SET binding protein 1; plus strand). Cytogenetic location: 18q12.3.
Variant type: single nucleotide variant.
Coding change: c.1900C>T on transcript NM_015559.3 (MANE Select); coding-DNA position 1900, C replaced by T.
Protein change: p.Gln634Ter; replaces glutamine 634 with a stop codon.
Molecular consequence: nonsense.
Genome position (GRCh38, 1-based): chr18:44,951,240, C>T. VCF-style: chr18-44951240-C-T. GRCh37 (hg19) VCF-style: chr18-42531205-C-T.
Other names: c.1900C>T, p.Gln634Ter (NM_001379141.1, NM_001379142.1, NM_001410862.1); short protein forms Q634*.
Identifiers: ClinVar variation 4526965 (VCV004526965.1).

ClinVar aggregate classification (germline): Pathogenic (1 of 4 stars; one submission).

Submission:

GeneDx
Classification: Pathogenic. Last evaluated: 2025-04-22. Review status: criteria provided, single submitter. Criteria: GeneDx Variant Classification Process June 2021. Collection method: clinical testing. Allele origin: germline. Affected: yes.
Comment: Nonsense variant predicted to result in protein truncation or nonsense mediated decay in a gene for which loss of function is a known mechanism of disease; Not observed at significant frequency in large population cohorts (gnomAD); Has not been previously published as pathogenic or benign to our knowledge